The following is an entry in ClinVar:

NM_000094.4(COL7A1):c.7547dup (p.Gly2517_Asp2518insTer)

Gene: COL7A1 (collagen type VII alpha 1 chain; minus strand). Cytogenetic location: 3p21.31.
Variant type: Duplication.
Coding change: c.7547dup on transcript NM_000094.4 (MANE Select); coding-DNA position 7547, one base duplicated (A; older notation c.7547dupA).
Protein change: p.Gly2517_Asp2518insTer.
Molecular consequence: frameshift variant.
Genome position (GRCh38, 1-based): chr3:48,569,735, T duplicated on the plus strand (A on the coding strand, the reverse complement: COL7A1 is on the minus strand); the first of 3 consecutive T bases (chr3:48,569,735-48,569,737); duplicating any one gives the same sequence. VCF-style (leftmost placement, unchanged base first): chr3-48569734-C-CT. GRCh37 (hg19) VCF-style: chr3-48607167-C-CT.
Identifiers: ClinVar variation 1448969 (VCV001448969.7), dbSNP rs2107642953, ClinGen allele CA2573137119.

ClinVar aggregate classification (germline): Pathogenic/Likely pathogenic. Review status: criteria provided, multiple submitters, no conflicts (2 of 4 stars). 2 submissions from 2 submitters: Pathogenic (1); Likely pathogenic (1). Last evaluated 2022-04-07.

Conditions:
Recessive dystrophic epidermolysis bullosa (RDEB). Also called: DYSTROPHIC EPIDERMOLYSIS BULLOSA, AUTOSOMAL RECESSIVE; EPIDERMOLYSIS BULLOSA DYSTROPHICA, HALLOPEAU-SIEMENS TYPE; Hallopeau-Siemens Disease; Epidermolysis Bullosa Distrophica Autosomal Recessive (RDEB); severe generalized recessive dystrophic epidermolysis bullosa; EPIDERMOLYSIS BULLOSA DYSTROPHICA, GENERALIZED SEVERE, AUTOSOMAL RECESSIVE. Identifiers: Orphanet 79408, Orphanet 79409, MedGen C0079474, MONDO:0009179, OMIM 226600.

Submissions (2):

Labcorp Genetics (formerly Invitae), Labcorp
Classification: Pathogenic. Last evaluated: 2022-04-07. Review status: criteria provided, single submitter. Criteria: Invitae Variant Classification Sherloc (09022015). Collection method: clinical testing. Allele origin: germline.
Comment: For these reasons, this variant has been classified as Pathogenic. This variant has not been reported in the literature in individuals affected with COL7A1-related conditions. This variant is not present in population databases (gnomAD no frequency). This sequence change creates a premature translational stop signal (p.Asp2518*) in the COL7A1 gene. It is expected to result in an absent or disrupted protein product. Loss-of-function variants in COL7A1 are known to be pathogenic (PMID: 16971478).

Molecular Genetics Department, Kulakov National Medical Research Center for Obstetrics, Gynecology and Perinatology
Classification: Likely pathogenic for Recessive dystrophic epidermolysis bullosa. Review status: criteria provided, single submitter. Criteria: ACMG Guidelines, 2015. Collection method: clinical testing. Allele origin: germline. Affected: yes.
Comment: A previously undescribed nucleotide variant creates a frameshift p.Asp2518Ter in the COL7A1 gene. Homozygous and compound heterozygous variants are reported in patients with Epidermolysis bullosa dystrophica, autosomal recessive, 226600. The variant is not present in population database (gnomAD no frequency). In summary, the currently available evidence indicates that the variant is pathogenic, but additional data are needed to prove that conclusively. Therefore, this variant has been classified as likely pathogenic.

Literature cited by the submitters: PubMed 16971478 (cited by Labcorp Genetics (formerly Invitae), Labcorp).